The following is an entry in ClinVar:

NM_001040436.3(YARS2):c.770TCA[1] (p.Ile258del)

Gene: YARS2 (tyrosyl-tRNA synthetase 2; minus strand). Cytogenetic location: 12p11.21.
Variant type: Microsatellite.
Coding change: c.770TCA[1] on transcript NM_001040436.3 (MANE Select); one copy of the 3-base unit TCA starting at c.770; the reference has two copies in a row; one copy, 3 bases deleted.
Protein change: p.Ile258del; deletes isoleucine 258.
Genome position (GRCh38, 1-based): chr12:32,755,100-32,755,102, TGA deleted on the plus strand (TCA on the coding strand, the reverse complement: YARS2 is on the minus strand); deleting any 3 consecutive bases within chr12:32,755,100-32,755,105 gives the same sequence; the position shown is the placement nearest the transcript's 3' end. VCF-style (leftmost placement, unchanged base first): chr12-32755099-TTGA-T. GRCh37 (hg19) VCF-style: chr12-32908033-TTGA-T.
Other names: short protein forms I258del.
Identifiers: ClinVar variation 3777499 (VCV003777499.1).

ClinVar aggregate classification (germline): Uncertain significance (1 of 4 stars; one submission).

Submission:

GeneDx
Classification: Uncertain significance. Last evaluated: 2024-10-09. Review status: criteria provided, single submitter. Criteria: GeneDx Variant Classification Process June 2021. Collection method: clinical testing. Allele origin: germline. Affected: yes.
Comment: Not observed at significant frequency in large population cohorts (gnomAD); In-frame deletion of 1 amino acid in a non-repeat region; In silico analysis supports a deleterious effect on protein structure/function; Has not been previously published as pathogenic or benign to our knowledge